The following is an entry in ClinVar:

NM_001370259.2(MEN1):c.1383GGCCGAGGC[3] (p.462AEA[3])

Gene: MEN1 (menin 1; minus strand). Cytogenetic location: 11q13.1.
Variant type: Microsatellite.
Coding change: c.1383GGCCGAGGC[3] on transcript NM_001370259.2 (MANE Select); three copies in a row of the 9-base unit GGCCGAGGC starting at c.1383; the reference has two copies in a row; one copy, 9 bases duplicated.
Protein change: p.462AEA[3].
Molecular consequence: inframe insertion.
Genome position (GRCh38, 1-based): chr11:64,804,767-64,804,775, GCCTCGGCC duplicated on the plus strand (GGCCGAGGC on the coding strand, the reverse complement: MEN1 is on the minus strand); duplicating any 9 consecutive bases within chr11:64,804,767-64,804,784 gives the same sequence; the position shown is the placement nearest the transcript's 3' end. VCF-style (leftmost placement, unchanged base first): chr11-64804766-G-GGCCTCGGCC. GRCh37 (hg19) VCF-style: chr11-64572238-G-GGCCTCGGCC.
Other names: c.1398GGCCGAGGC[3], p.467AEA[3] (NM_000244.4, NM_130800.3, NM_130801.3 and 3 more transcripts); c.1509GGCCGAGGC[3], p.504AEA[3] (NM_001370251.2); c.1383GGCCGAGGC[3], p.462AEA[3] (NM_001370260.2, NM_001370261.2, NM_130799.3); c.1278GGCCGAGGC[3], p.427AEA[3] (NM_001370262.2, NM_001370263.2).
Identifiers: ClinVar variation 1372356 (VCV001372356.12), dbSNP rs772978541, ClinGen allele CA2580615717.

ClinVar aggregate classification (germline): Uncertain significance. Review status: criteria provided, multiple submitters, no conflicts (2 of 4 stars). 3 submissions from 3 submitters: Uncertain significance (3). Last evaluated 2024-04-25.

Conditions:
Multiple endocrine neoplasia, type 1 (MEN1). Also called: MEA I; MEN I; WERMER SYNDROME; Endocrine adenomatosis multiple; MEN 1. Identifiers: Orphanet 652, MedGen C0025267, MeSH D018761, MONDO:0007540, OMIM 131100.
Hereditary cancer-predisposing syndrome. Also called: Hereditary neoplastic syndrome; Hereditary Cancer Syndrome; Neoplastic Syndromes, Hereditary; Tumor predisposition. Identifiers: Orphanet 140162, MedGen C0027672, MeSH D009386, MONDO:0015356.

Submissions (3):

Labcorp Genetics (formerly Invitae), Labcorp
Classification: Uncertain significance for Multiple endocrine neoplasia, type 1. Last evaluated: 2024-04-25. Review status: criteria provided, single submitter. Criteria: Invitae Variant Classification Sherloc (09022015). Collection method: clinical testing. Allele origin: germline.
Comment: This variant, c.1392_1400dup, results in the insertion of 3 amino acid(s) of the MEN1 protein (p.Ala465_Ala467dup), but otherwise preserves the integrity of the reading frame. This variant is not present in population databases (gnomAD no frequency). This variant has not been reported in the literature in individuals affected with MEN1-related conditions. ClinVar contains an entry for this variant (Variation ID: 1372356). Experimental studies and prediction algorithms are not available or were not evaluated, and the functional significance of this variant is currently unknown. In summary, the available evidence is currently insufficient to determine the role of this variant in disease. Therefore, it has been classified as a Variant of Uncertain Significance.

Ambry Genetics
Classification: Uncertain significance for Hereditary cancer-predisposing syndrome. Last evaluated: 2023-12-27. Review status: criteria provided, single submitter. Criteria: Ambry Variant Classification Scheme 2023. Collection method: clinical testing. Allele origin: germline.
Comment: The c.1392_1400dupGGCCGAGGC variant (also known as p.A465_A467dup), located in coding exon 9 of the MEN1 gene, results from an in-frame duplication of GGCCGAGGC at nucleotide positions 1392 to 1400. This results in the duplication of 3 extra residues (AEA) between codons 465 and 467. These amino acid positions are not well conserved in available vertebrate species. Since supporting evidence is limited at this time, the clinical significance of this alteration remains unclear.

All of Us Research Program, National Institutes of Health
Classification: Uncertain significance for Multiple endocrine neoplasia, type 1. Last evaluated: 2023-10-02. Review status: criteria provided, single submitter. Criteria: ACMG Guidelines, 2015. Collection method: clinical testing. Allele origin: germline. Inheritance: Autosomal dominant inheritance. Observed: 1 variant allele, 1 heterozygote.
Comment: This variant duplicates three amino acids, p.Ala465_Ala467, in the MEN1 protein. To our knowledge, functional studies have not been reported for this variant. This variant has not been reported in individuals affected with MEN1-related disorders in the literature. This variant has not been identified in the general population by the Genome Aggregation Database (gnomAD). The available evidence is insufficient to determine the role of this variant in disease conclusively. Therefore, this variant is classified as a Variant of Uncertain Significance.

This study involves interpretation of variants in research participants for the purpose of population health screening. Participant phenotype was not available at the time of variant classification. Additional details can be found in publication PMID: 35346344, PMCID: PMC8962531